The following is an entry in ClinVar:

ClinVar aggregate classification (germline): Uncertain significance (1 of 4 stars; one submission).

Conditions:
Mitochondrial DNA depletion syndrome, encephalomyopathic form with methylmalonic aciduria (MTDPS5). Also called: SUCLA2-Related Mitochondrial DNA Depletion Syndrome, Encephalomyopathic Form with Methylmalonic Aciduria; Mitochondrial encephalomyopathy aminoacidopathy; MITOCHONDRIAL DNA DEPLETION SYNDROME, ENCEPHALOMYOPATHIC FORM, WITH OR WITHOUT METHYLMALONIC ACIDURIA, AUTOSOMAL RECESSIVE, SUCLA2-RELATED; Mitochondrial DNA depletion syndrome 5 (encephalomyopathic with or without methylmalonic aciduria). Identifiers: Orphanet 1933, MedGen C5980207, MONDO:0012791, OMIM 612073.

Allele frequency attached by ClinVar (database versions not stated): gnomAD exomes 0.00001; ExAC 0.00002.

Submission:

Labcorp Genetics (formerly Invitae), Labcorp
Classification: Uncertain significance for Mitochondrial DNA depletion syndrome, encephalomyopathic form with methylmalonic aciduria. Last evaluated: 2021-04-02. Review status: criteria provided, single submitter. Criteria: Invitae Variant Classification Sherloc (09022015). Collection method: clinical testing. Allele origin: germline.
Comment: In summary, the available evidence is currently insufficient to determine the role of this variant in disease. Therefore, it has been classified as a Variant of Uncertain Significance. Algorithms developed to predict the effect of missense changes on protein structure and function (SIFT, PolyPhen-2, Align-GVGD) all suggest that this variant is likely to be disruptive, but these predictions have not been confirmed by published functional studies and their clinical significance is uncertain. This variant has not been reported in the literature in individuals with SUCLA2-related conditions. This variant is present in population databases (rs774249904, ExAC 0.009%). This sequence change replaces glycine with aspartic acid at codon 188 of the SUCLA2 protein (p.Gly188Asp). The glycine residue is highly conserved and there is a moderate physicochemical difference between glycine and aspartic acid.

NM_003850.3(SUCLA2):c.563G>A (p.Gly188Asp)

Gene: SUCLA2 (succinate-CoA ligase ADP-forming subunit beta; minus strand). Cytogenetic location: 13q14.2.
Variant type: single nucleotide variant.
Coding change: c.563G>A on transcript NM_003850.3 (MANE Select); coding-DNA position 563, G replaced by A.
Protein change: p.Gly188Asp; replaces glycine 188 with aspartic acid.
Molecular consequence: missense variant.
Genome position (GRCh38, 1-based): chr13:47,973,364, C>T on the plus strand (G>A on the coding strand, the complement: SUCLA2 is on the minus strand). VCF-style: chr13-47973364-C-T. GRCh37 (hg19) VCF-style: chr13-48547499-C-T.
Other names: short protein forms G188D.
Identifiers: ClinVar variation 1499160 (VCV001499160.8), dbSNP rs774249904, ClinGen allele CA6977968.